The following is an entry in ClinVar:

NM_000193.4(SHH):c.1023C>T (p.Ala341=)

Gene: SHH (sonic hedgehog signaling molecule; minus strand). Cytogenetic location: 7q36.3.
Variant type: single nucleotide variant.
Coding change: c.1023C>T on transcript NM_000193.4 (MANE Select); coding-DNA position 1023, C replaced by T.
Protein change: p.Ala341=; no amino-acid change (alanine 341 retained).
Molecular consequence: synonymous variant. On other transcripts: intron variant (1).
Genome position (GRCh38, 1-based): chr7:155,803,266, G>A on the plus strand (C>T on the coding strand, the complement: SHH is on the minus strand). VCF-style: chr7-155803266-G-A. GRCh37 (hg19) VCF-style: chr7-155595960-G-A.
Other names: c.302-3021C>T (NM_001310462.2).
Identifiers: ClinVar variation 2041598 (VCV002041598.6), dbSNP rs904575296, ClinGen allele CA169421821.

ClinVar aggregate classification (germline): Likely benign. Review status: criteria provided, multiple submitters, no conflicts (2 of 4 stars). 2 submissions from 2 submitters: Likely benign (2). Last evaluated 2026-06-01.

Conditions:
Holoprosencephaly 3 (HPE3). Identifiers: Orphanet 2162, MedGen C1840529, MONDO:0007733, OMIM 142945.

Allele frequency attached by ClinVar (database versions not stated): gnomAD exomes 0.00002; gnomAD 0.00003; TOPMed 0.00005.

Submissions (2):

CeGaT Center for Human Genetics Tuebingen
Classification: Likely benign. Last evaluated: 2026-06-01. Review status: criteria provided, single submitter. Criteria: CeGaT Center For Human Genetics Tuebingen Variant Classification Criteria Version 2. Collection method: clinical testing. Allele origin: germline. Affected: yes. Observed: 1 variant allele.
Comment: SHH: BP4, BP7

Labcorp Genetics (formerly Invitae), Labcorp
Classification: Likely benign for Holoprosencephaly 3. Last evaluated: 2024-10-02. Review status: criteria provided, single submitter. Criteria: Invitae Variant Classification Sherloc (09022015). Collection method: clinical testing. Allele origin: germline.